The following is an entry in ClinVar:

ClinVar aggregate classification (germline): Pathogenic (1 of 4 stars; one submission).

Conditions:
Hereditary cancer-predisposing syndrome. Also called: Neoplastic Syndromes, Hereditary; Hereditary Cancer Syndrome; Tumor predisposition; Hereditary neoplastic syndrome. Identifiers: Orphanet 140162, MedGen C0027672, MeSH D009386, MONDO:0015356.

Submission:

Ambry Genetics
Classification: Pathogenic for Hereditary cancer-predisposing syndrome. Last evaluated: 2025-02-19. Review status: criteria provided, single submitter. Criteria: Ambry Variant Classification Scheme 2023. Collection method: clinical testing. Allele origin: germline.
Comment: The c.2217delA pathogenic mutation, located in coding exon 13 of the ATM gene, results from a deletion of one nucleotide at nucleotide position 2217, causing a translational frameshift with a predicted alternate stop codon (p.A740Hfs*13). This variant is considered to be rare based on population cohorts in the Genome Aggregation Database (gnomAD). This alteration is expected to result in loss of function by premature protein truncation or nonsense-mediated mRNA decay. As such, this alteration is interpreted as a disease-causing mutation.

NM_000051.4(ATM):c.2217del (p.Ala740fs)

Gene: ATM (ATM serine/threonine kinase; plus strand). Cytogenetic location: 11q22.3.
Variant type: Deletion.
Coding change: c.2217del on transcript NM_000051.4 (MANE Select); coding-DNA position 2217, one base deleted (A; older notation c.2217delA).
Protein change: p.Ala740fs; shifts the reading frame from alanine 740.
Molecular consequence: frameshift variant.
Genome position (GRCh38, 1-based): chr11:108,256,307, A deleted; the last of 2 consecutive A bases (chr11:108,256,306-108,256,307); deleting either gives the same sequence. VCF-style (leftmost placement, unchanged base first): chr11-108256305-GA-G. GRCh37 (hg19) VCF-style: chr11-108127032-GA-G.
Other names: c.2217del, p.Ala740fs (NM_001351834.2); short protein forms A740fs.
Identifiers: ClinVar variation 3802377 (VCV003802377.1).